The following is an entry in ClinVar:

NM_017617.5(NOTCH1):c.3700C>T (p.Arg1234Trp)

Gene: NOTCH1 (notch receptor 1; minus strand). Cytogenetic location: 9q34.3.
Variant type: single nucleotide variant.
Coding change: c.3700C>T on transcript NM_017617.5 (MANE Select); coding-DNA position 3700, C replaced by T.
Protein change: p.Arg1234Trp; replaces arginine 1234 with tryptophan.
Molecular consequence: missense variant.
Genome position (GRCh38, 1-based): chr9:136,506,917, G>A on the plus strand (C>T on the coding strand, the complement: NOTCH1 is on the minus strand). VCF-style: chr9-136506917-G-A. GRCh37 (hg19) VCF-style: chr9-139401369-G-A.
Other names: short protein forms R1234W.
Identifiers: ClinVar variation 849333 (VCV000849333.13), dbSNP rs761304479, ClinGen allele CA5340819.

ClinVar aggregate classification (germline): Conflicting classifications of pathogenicity. Review status: criteria provided, conflicting classifications (1 of 4 stars). 3 submissions from 3 submitters: Uncertain significance (1); Benign (1); Likely benign (1). Last evaluated 2025-12-18.

Conditions:
Adams-Oliver syndrome 5 (AOS5). Identifiers: Orphanet 974, MedGen C4014970, MONDO:0014459, OMIM 616028.
Familial thoracic aortic aneurysm and aortic dissection (TAAD). Also called: Thoracic aortic aneurysms and dissections. Identifiers: Orphanet 91387, MedGen C4707243, MONDO:0019625.

Allele frequency attached by ClinVar (database versions not stated): gnomAD exomes 0.00004; TOPMed 0.00006.
gnomAD v4.1: 26 of 1,611,354 alleles (0.0016%); highest among the groups gnomAD compares: African/African-American, 0.017%; no homozygotes.

Submissions (3):

Labcorp Genetics (formerly Invitae), Labcorp
Classification: Benign for Adams-Oliver syndrome 5. Last evaluated: 2025-12-18. Review status: criteria provided, single submitter. Criteria: Invitae Variant Classification Sherloc (09022015). Collection method: clinical testing. Allele origin: germline.

Women's Health and Genetics/Laboratory Corporation of America, LabCorp
Classification: Likely benign. Last evaluated: 2025-09-29. Review status: criteria provided, single submitter. Criteria: LabCorp Variant Classification Summary - May 2015. Collection method: clinical testing. Allele origin: germline.
Comment: Variant summary: NOTCH1 c.3700C>T (p.Arg1234Trp) results in a non-conservative amino acid change in the encoded protein sequence. Algorithms developed to predict the effect of missense changes on protein structure and function all suggest that this variant is likely to be disruptive. The variant allele was found at a frequency of 4.1e-05 in 242446 control chromosomes. The observed variant frequency exceeds the estimated maximal expected allele frequency for disease-causing variants in NOTCH1. To our knowledge, no occurrence of c.3700C>T in individuals affected with NOTCH1-related conditions and no experimental evidence demonstrating its impact on protein function have been reported. ClinVar contains an entry for this variant (Variation ID: 849333). Based on the evidence outlined above, the variant was classified as likely benign.

Ambry Genetics
Classification: Uncertain significance for Familial thoracic aortic aneurysm and aortic dissection. Last evaluated: 2025-08-28. Review status: criteria provided, single submitter. Criteria: Ambry Variant Classification Scheme 2023. Collection method: clinical testing. Allele origin: germline.
Comment: The p.R1234W variant (also known as c.3700C>T), located in coding exon 23 of the NOTCH1 gene, results from a C to T substitution at nucleotide position 3700. The arginine at codon 1234 is replaced by tryptophan, an amino acid with dissimilar properties. This amino acid position is conserved. In addition, the in silico prediction for this alteration is inconclusive. Since supporting evidence is limited at this time, the clinical significance of this alteration remains unclear.